The following is an entry in ClinVar:

ClinVar aggregate classification (germline): Conflicting classifications of pathogenicity. Review status: criteria provided, conflicting classifications (1 of 4 stars). 5 submissions from 5 submitters: Uncertain significance (2); Likely benign (3). Last evaluated 2026-01-22.

Conditions:
Arrhythmogenic right ventricular dysplasia 11. Also called: Arrhythmogenic Right Ventricular Dysplasia/Cardiomyopathy11; ARRHYTHMOGENIC RIGHT VENTRICULAR DYSPLASIA, FAMILIAL, 11; Arrhythmogenic right ventricular dysplasia 11 with mild palmoplantar keratoderma and woolly hair. Identifiers: MedGen C1864850, MONDO:0012506, OMIM 610476.
Cardiovascular phenotype. Identifiers: MedGen CN230736.
Familial isolated arrhythmogenic right ventricular dysplasia. Identifiers: Orphanet 217656, MedGen C4274968, MONDO:0016342.
Cardiomyopathy (CMYO). Also called: Cardiomyopathies. Identifiers: Orphanet 167848, MedGen C0878544, MONDO:0004994, HP:0001638. Inheritance: Various modes of inheritance.

Allele frequency attached by ClinVar (database versions not stated): gnomAD 0.00002 and 0.00003; gnomAD exomes 0.00004 and 0.00002; ESP Exome Variant Server 0.00008; TOPMed 0.00002; ExAC 0.00008.
gnomAD v4.1: 32 of 1,613,766 alleles (0.002%); highest among the groups gnomAD compares: Non-Finnish European, 0.0024%; no homozygotes.

Submissions (5):

Labcorp Genetics (formerly Invitae), Labcorp
Classification: Uncertain significance for Arrhythmogenic right ventricular dysplasia 11. Last evaluated: 2026-01-22. Review status: criteria provided, single submitter. Criteria: Invitae Variant Classification Sherloc (09022015). Collection method: clinical testing. Allele origin: germline.
Comment: This sequence change falls in intron 11 of the DSC2 gene. It does not directly change the encoded amino acid sequence of the DSC2 protein. It affects a nucleotide within the consensus splice site. This variant is present in population databases (rs369849387, gnomAD 0.008%). This variant has not been reported in the literature in individuals affected with DSC2-related conditions. ClinVar contains an entry for this variant (Variation ID: 519457). Variants that disrupt the consensus splice site are a relatively common cause of aberrant splicing (PMID: 17576681, 9536098). Algorithms developed to predict the effect of sequence changes on RNA splicing suggest that this variant is not likely to affect RNA splicing. In summary, the available evidence is currently insufficient to determine the role of this variant in disease. Therefore, it has been classified as a Variant of Uncertain Significance.

Women's Health and Genetics/Laboratory Corporation of America, LabCorp
Classification: Uncertain significance. Last evaluated: 2026-01-02. Review status: criteria provided, single submitter. Criteria: LabCorp Variant Classification Summary - May 2015. Collection method: clinical testing. Allele origin: germline.

All of Us Research Program, National Institutes of Health
Classification: Likely benign for Familial isolated arrhythmogenic right ventricular dysplasia. Last evaluated: 2024-09-27. Review status: criteria provided, single submitter. Criteria: ACMG Guidelines, 2015. Collection method: clinical testing. Allele origin: germline. Inheritance: Autosomal dominant inheritance. Observed: 14 variant alleles, 14 heterozygotes.
Comment: This study involves interpretation of variants in research participants for the purpose of population health screening. Participant phenotype was not available at the time of variant classification. Additional details can be found in publication PMID: 35346344, PMCID: PMC8962531

Ambry Genetics
Classification: Likely benign for Cardiovascular phenotype. Last evaluated: 2023-05-19. Review status: criteria provided, single submitter. Criteria: Ambry Variant Classification Scheme 2023. Collection method: clinical testing. Allele origin: germline.

Color Diagnostics, LLC DBA Color Health
Classification: Likely benign for Cardiomyopathy. Last evaluated: 2018-12-03. Review status: criteria provided, single submitter. Criteria: ACMG Guidelines, 2015. Collection method: clinical testing. Allele origin: germline.

Literature cited by the submitters: PubMed 17576681 (cited by Labcorp Genetics (formerly Invitae), Labcorp); PubMed 9536098 (cited by Labcorp Genetics (formerly Invitae), Labcorp).

NM_024422.6(DSC2):c.1663+4A>G

Gene: DSC2 (desmocollin 2; minus strand). Cytogenetic location: 18q12.1.
Variant type: single nucleotide variant.
Coding change: c.1663+4A>G on transcript NM_024422.6 (MANE Select); 4 bases into the intron after coding-DNA position 1663, A replaced by G.
Molecular consequence: intron variant.
Genome position (GRCh38, 1-based): chr18:31,079,843, T>C on the plus strand (A>G on the coding strand, the complement: DSC2 is on the minus strand). VCF-style: chr18-31079843-T-C. GRCh37 (hg19) VCF-style: chr18-28659809-T-C.
Other names: c.1663+4A>G (NM_004949.5).
Identifiers: ClinVar variation 519457 (VCV000519457.20), dbSNP rs369849387, ClinGen allele CA032585.
Genomic context (GRCh38, chr18:31,079,843, plus strand): 5'-GCTTAAACACTGAAGATGTATGTAGCCAAGGAAGTATGTAGCTGGCTTAAAGACAAATTC[T>C]TACCTTGGTCTGATGCAAGGACTGTAATATTATATATGCCATTTTTGATGGTCTCTGCCT-3'